The following is an entry in ClinVar:

NM_001321967.2(ATAD1):c.100A>G (p.Ile34Val)

Gene: ATAD1 (ATPase family AAA domain containing 1; minus strand). Cytogenetic location: 10q23.31.
Variant type: single nucleotide variant.
Coding change: c.100A>G on transcript NM_001321967.2 (MANE Select); coding-DNA position 100, A replaced by G.
Protein change: p.Ile34Val; replaces isoleucine 34 with valine.
Molecular consequence: missense variant. On other transcripts: 5 prime UTR variant (1), non-coding transcript variant (1).
Genome position (GRCh38, 1-based): chr10:87,814,500, T>C on the plus strand (A>G on the coding strand, the complement: ATAD1 is on the minus strand). VCF-style: chr10-87814500-T-C. GRCh37 (hg19) VCF-style: chr10-89574257-T-C.
Other names: c.100A>G, p.Ile34Val (NM_001321968.2, NM_032810.4); c.-348A>G (NM_001321969.2); short protein forms I34V.
Identifiers: ClinVar variation 1495585 (VCV001495585.6), dbSNP rs758251373, ClinGen allele CA5590171.

ClinVar aggregate classification (germline): Uncertain significance (1 of 4 stars; one submission).

Allele frequency attached by ClinVar (database versions not stated): TOPMed below 0.00001; ExAC 0.00001; gnomAD 0.00001; gnomAD exomes 0.00002.
gnomAD v4.1: 13 of 1,609,844 alleles (0.00081%); highest among the groups gnomAD compares: Admixed American, 0.0017%; no homozygotes.

Submission:

Labcorp Genetics (formerly Invitae), Labcorp
Classification: Uncertain significance. Last evaluated: 2025-06-11. Review status: criteria provided, single submitter. Criteria: Invitae Variant Classification Sherloc (09022015). Collection method: clinical testing. Allele origin: germline.
Comment: This sequence change replaces isoleucine, which is neutral and non-polar, with valine, which is neutral and non-polar, at codon 34 of the ATAD1 protein (p.Ile34Val). This variant is present in population databases (rs758251373, gnomAD 0.02%). This variant has not been reported in the literature in individuals affected with ATAD1-related conditions. ClinVar contains an entry for this variant (Variation ID: 1495585). An algorithm developed to predict the effect of missense changes on protein structure and function (PolyPhen-2) suggests that this variant is likely to be tolerated. In summary, the available evidence is currently insufficient to determine the role of this variant in disease. Therefore, it has been classified as a Variant of Uncertain Significance.